The following is an entry in ClinVar:

NM_001164508.2(NEB):c.20653G>T (p.Ala6885Ser)

Gene: NEB (nebulin; minus strand). Cytogenetic location: 2q23.3.
Variant type: single nucleotide variant.
Coding change: c.20653G>T on transcript NM_001164508.2 (MANE Select); coding-DNA position 20653, G replaced by T.
Protein change: p.Ala6885Ser; replaces alanine 6885 with serine.
Molecular consequence: missense variant.
Genome position (GRCh38, 1-based): chr2:151,541,476, C>A on the plus strand (G>T on the coding strand, the complement: NEB is on the minus strand). VCF-style: chr2-151541476-C-A. GRCh37 (hg19) VCF-style: chr2-152397990-C-A.
Other names: c.20653G>T, p.Ala6885Ser (NM_001164507.2, NM_001271208.2); c.15550G>T, p.Ala5184Ser (NM_004543.5); short protein forms A5184S, A6885S.
Identifiers: ClinVar variation 1052905 (VCV001052905.6), dbSNP rs1201503713, ClinGen allele CA348778790.

ClinVar aggregate classification (germline): Uncertain significance (1 of 4 stars; one submission).

Conditions:
Nemaline myopathy 2 (NEM2). Also called: Nemaline myopathy 2, autosomal recessive. Identifiers: MedGen C1850569, MONDO:0009725, OMIM 256030.

Allele frequency attached by ClinVar (database versions not stated): TOPMed below 0.00001.

Submission:

Labcorp Genetics (formerly Invitae), Labcorp
Classification: Uncertain significance for Nemaline myopathy 2. Last evaluated: 2021-09-01. Review status: criteria provided, single submitter. Criteria: Invitae Variant Classification Sherloc (09022015). Collection method: clinical testing. Allele origin: germline.
Comment: This sequence change replaces alanine with serine at codon 6885 of the NEB protein (p.Ala6885Ser). The alanine residue is moderately conserved and there is a moderate physicochemical difference between alanine and serine. This variant is not present in population databases (ExAC no frequency). This variant has not been reported in the literature in individuals affected with NEB-related conditions. Algorithms developed to predict the effect of missense changes on protein structure and function are either unavailable or do not agree on the potential impact of this missense change (SIFT: "Deleterious"; PolyPhen-2: "Not Available"; Align-GVGD: "Class C0"). In summary, the available evidence is currently insufficient to determine the role of this variant in disease. Therefore, it has been classified as a Variant of Uncertain Significance.